The following is an entry in ClinVar:

ClinVar aggregate classification (germline): Conflicting classifications of pathogenicity. Review status: criteria provided, conflicting classifications (1 of 4 stars). 8 submissions from 8 submitters: Uncertain significance (1); Benign (2); Likely benign (2). 3 of the submissions do not count toward it. Last evaluated 2026-10-01.

Conditions:
AUTS2-related disorder. Also called: AUTS2-related condition.

Allele frequency attached by ClinVar (database versions not stated): gnomAD exomes 0.00338; 1000 Genomes Project 0.00399; 1000 Genomes Project 30x 0.00515; ESP Exome Variant Server 0.00520; gnomAD 0.00529 and 0.00558; TOPMed 0.00536; ExAC 0.00652.
gnomAD v4.1: 6,472 of 1,600,692 alleles (0.4%); highest among the groups gnomAD compares: African/African-American, 0.99%; 17 homozygotes.

Submissions (8):

CeGaT Center for Human Genetics Tuebingen
Classification: Benign. Last evaluated: 2026-10-01. Review status: criteria provided, single submitter. Criteria: CeGaT Center For Human Genetics Tuebingen Variant Classification Criteria Version 2. Collection method: clinical testing. Allele origin: germline. Affected: yes. Observed: 16 variant alleles.
Comment: AUTS2: BP4, BP7, BS1, BS2

Labcorp Genetics (formerly Invitae), Labcorp
Classification: Benign. Last evaluated: 2026-02-03. Review status: criteria provided, single submitter. Criteria: Invitae Variant Classification Sherloc (09022015). Collection method: clinical testing. Allele origin: germline.

Blueprint Genetics
Classification: Likely benign. Last evaluated: 2024-11-15. Review status: criteria provided, single submitter. Criteria: ACMG Guidelines, 2015. Collection method: clinical testing. Allele origin: germline.

Institute for Clinical Genetics, University Hospital TU Dresden, University Hospital TU Dresden
Classification: Uncertain significance. Last evaluated: 2021-11-03. Review status: criteria provided, single submitter. Criteria: ACMG Guidelines, 2015. Collection method: clinical testing. Allele origin: germline.

GeneDx
Classification: Likely benign. Last evaluated: 2021-01-30. Review status: criteria provided, single submitter. Criteria: GeneDx Variant Classification Process June 2021. Collection method: clinical testing. Allele origin: germline. Affected: yes.

PreventionGenetics, part of Exact Sciences
Classification: Benign for AUTS2-related condition. Last evaluated: 2020-11-10. Review status: no assertion criteria provided. Collection method: clinical testing. Allele origin: germline. Not counted in ClinVar's aggregate classification.
Comment: This variant is classified as benign based on ACMG/AMP sequence variant interpretation guidelines (Richards et al. 2015 PMID: 25741868, with internal and published modifications).

Clinical Genetics DNA and cytogenetics Diagnostics Lab, Erasmus MC, Erasmus Medical Center
Classification: Likely benign. Review status: no assertion criteria provided. Collection method: clinical testing. Allele origin: germline. Affected: yes. Study: VKGL Data-share Consensus. Not counted in ClinVar's aggregate classification.

Diagnostic Laboratory, Department of Genetics, University Medical Center Groningen
Classification: Likely benign. Review status: no assertion criteria provided. Collection method: clinical testing. Allele origin: germline. Affected: yes. Study: VKGL Data-share Consensus. Not counted in ClinVar's aggregate classification.

NM_015570.4(AUTS2):c.2784C>T (p.Ala928=)

Gene: AUTS2 (activator of transcription and developmental regulator AUTS2; plus strand). Cytogenetic location: 7q11.22.
Variant type: single nucleotide variant.
Coding change: c.2784C>T on transcript NM_015570.4 (MANE Select); coding-DNA position 2784, C replaced by T.
Protein change: p.Ala928=; no amino-acid change (alanine 928 retained).
Molecular consequence: synonymous variant.
Genome position (GRCh38, 1-based): chr7:70,790,000, C>T. VCF-style: chr7-70790000-C-T. GRCh37 (hg19) VCF-style: chr7-70254986-C-T.
Other names: c.2712C>T, p.Ala904= (NM_001127231.3).
Identifiers: ClinVar variation 697511 (VCV000697511.41), dbSNP rs79439293, ClinGen allele CA4281180.